The following is an entry in ClinVar:

NM_004260.4(RECQL4):c.1898G>C (p.Gly633Ala)

Gene: RECQL4 (RecQ like helicase 4; minus strand). Cytogenetic location: 8q24.3.
Variant type: single nucleotide variant.
Coding change: c.1898G>C on transcript NM_004260.4 (MANE Select); coding-DNA position 1898, G replaced by C.
Protein change: p.Gly633Ala; replaces glycine 633 with alanine.
Molecular consequence: missense variant.
Genome position (GRCh38, 1-based): chr8:144,514,088, C>G on the plus strand (G>C on the coding strand, the complement: RECQL4 is on the minus strand). VCF-style: chr8-144514088-C-G. GRCh37 (hg19) VCF-style: chr8-145739472-C-G.
Other names: c.1898G>C (NM_004260.3); short protein forms G633A.
Identifiers: ClinVar variation 1492545 (VCV001492545.7), dbSNP rs2130692660, ClinGen allele CA372680527.

ClinVar aggregate classification (germline): Uncertain significance. Review status: criteria provided, multiple submitters, no conflicts (2 of 4 stars). 2 submissions from 2 submitters: Uncertain significance (2). Last evaluated 2025-12-03.

Conditions:
Baller-Gerold syndrome (BGS). Also called: CRANIOSYNOSTOSIS WITH RADIAL DEFECTS. Identifiers: Orphanet 1225, MedGen C0265308, MONDO:0009039, OMIM 218600.
Inborn genetic diseases. Identifiers: MedGen C0950123, MeSH D030342.

Submissions (2):

Labcorp Genetics (formerly Invitae), Labcorp
Classification: Uncertain significance for Baller-Gerold syndrome. Last evaluated: 2025-12-03. Review status: criteria provided, single submitter. Criteria: Invitae Variant Classification Sherloc (09022015). Collection method: clinical testing. Allele origin: germline.
Comment: This sequence change replaces glycine, which is neutral and non-polar, with alanine, which is neutral and non-polar, at codon 633 of the RECQL4 protein (p.Gly633Ala). This variant is not present in population databases (gnomAD no frequency). This variant has not been reported in the literature in individuals affected with RECQL4-related conditions. ClinVar contains an entry for this variant (Variation ID: 1492545). Invitae Evidence Modeling of protein sequence and biophysical properties (such as structural, functional, and spatial information, amino acid conservation, physicochemical variation, residue mobility, and thermodynamic stability) indicates that this missense variant is not expected to disrupt RECQL4 protein function with a negative predictive value of 80%. In summary, the available evidence is currently insufficient to determine the role of this variant in disease. Therefore, it has been classified as a Variant of Uncertain Significance.

Ambry Genetics
Classification: Uncertain significance for Inborn genetic diseases. Last evaluated: 2025-11-10. Review status: criteria provided, single submitter. Criteria: Ambry Variant Classification Scheme 2023. Collection method: clinical testing. Allele origin: germline.
Comment: The p.G633A variant (also known as c.1898G>C), located in coding exon 12 of the RECQL4 gene, results from a G to C substitution at nucleotide position 1898. The glycine at codon 633 is replaced by alanine, an amino acid with similar properties. This amino acid position is conserved. In addition, the in silico prediction for this alteration is inconclusive. Based on the available evidence, the clinical significance of this variant remains unclear.